The following is an entry in ClinVar:

NM_001261826.3(AP3D1):c.2611C>G (p.Leu871Val)

Gene: AP3D1 (adaptor related protein complex 3 subunit delta 1; minus strand). Cytogenetic location: 19p13.3.
Variant type: single nucleotide variant.
Coding change: c.2611C>G on transcript NM_001261826.3 (MANE Select); coding-DNA position 2611, C replaced by G.
Protein change: p.Leu871Val; replaces leucine 871 with valine.
Molecular consequence: missense variant. On other transcripts: intron variant (1).
Genome position (GRCh38, 1-based): chr19:2,113,404, G>C on the plus strand (C>G on the coding strand, the complement: AP3D1 is on the minus strand). VCF-style: chr19-2113404-G-C. GRCh37 (hg19) VCF-style: chr19-2113403-G-C.
Other names: c.2611C>G, p.Leu871Val (NM_001374799.1); c.2601+721C>G (NM_003938.8); short protein forms L871V.
Identifiers: ClinVar variation 1387952 (VCV001387952.8), dbSNP rs2145031025, ClinGen allele CA403207451.

ClinVar aggregate classification (germline): Uncertain significance (1 of 4 stars; one submission).

gnomAD v4.1: 1 of 1,474,928 alleles (0.000068%); highest among the groups gnomAD compares: East Asian, 0.0026%; no homozygotes.

Submission:

Labcorp Genetics (formerly Invitae), Labcorp
Classification: Uncertain significance. Last evaluated: 2022-08-09. Review status: criteria provided, single submitter. Criteria: Invitae Variant Classification Sherloc (09022015). Collection method: clinical testing. Allele origin: germline.
Comment: In summary, the available evidence is currently insufficient to determine the role of this variant in disease. Therefore, it has been classified as a Variant of Uncertain Significance. Algorithms developed to predict the effect of missense changes on protein structure and function (SIFT, PolyPhen-2, Align-GVGD) all suggest that this variant is likely to be tolerated. ClinVar contains an entry for this variant (Variation ID: 1387952). This variant has not been reported in the literature in individuals affected with AP3D1-related conditions. This variant is not present in population databases (gnomAD no frequency). This sequence change replaces leucine, which is neutral and non-polar, with valine, which is neutral and non-polar, at codon 871 of the AP3D1 protein (p.Leu871Val).